The following is an entry in ClinVar:

NM_018967.5(SNTG1):c.1284+31T>C

Gene: SNTG1 (syntrophin gamma 1; plus strand). Cytogenetic location: 8q11.21.
Variant type: single nucleotide variant.
Coding change: c.1284+31T>C on transcript NM_018967.5 (MANE Select); 31 bases into the intron after coding-DNA position 1284, T replaced by C.
Molecular consequence: intron variant. On other transcripts: 3 prime UTR variant (4), non-coding transcript variant (1).
Genome position (GRCh38, 1-based): chr8:50,709,009, T>C. VCF-style: chr8-50709009-T-C. GRCh37 (hg19) VCF-style: chr8-51621569-T-C.
Other names: c.*7T>C (NM_001321775.2, NM_001321776.2, NM_001321777.2 and 1 more transcripts); c.1284+31T>C (NM_001287813.3, NM_001321773.2, NM_001287814.3).
Identifiers: ClinVar variation 3053436 (VCV003053436.2), dbSNP rs376362017, ClinGen allele CA4744336.

ClinVar aggregate classification (germline): Likely benign (0 of 4 stars; one submission).

Conditions:
SNTG1-related disorder. Also called: SNTG1-related condition.

Allele frequency attached by ClinVar (database versions not stated): gnomAD 0.00057; TOPMed 0.00063; ESP Exome Variant Server 0.00069.
gnomAD v4.1: 1,452 of 1,467,568 alleles (0.099%); highest among the groups gnomAD compares: Non-Finnish European, 0.13%; 1 homozygote.

Submission:

PreventionGenetics, part of Exact Sciences
Classification: Likely benign for SNTG1-related condition. Last evaluated: 2019-08-28. Review status: no assertion criteria provided. Collection method: clinical testing. Allele origin: germline.
Comment: This variant is classified as likely benign based on ACMG/AMP sequence variant interpretation guidelines (Richards et al. 2015 PMID: 25741868, with internal and published modifications).